The following is an entry in ClinVar:

NM_015506.3(MMACHC):c.191_195del (p.Lys64fs)

Gene: MMACHC (metabolism of cobalamin associated C; plus strand). Cytogenetic location: 1p34.1.
Variant type: Deletion.
Coding change: c.191_195del on transcript NM_015506.3 (MANE Select); coding-DNA positions 191 to 195, 5 bases deleted (AGCCC; older notation c.191_195delAGCCC).
Protein change: p.Lys64fs; shifts the reading frame from lysine 64.
Molecular consequence: frameshift variant.
Genome position (GRCh38, 1-based): chr1:45,507,465-45,507,469, AGCCC deleted. VCF-style (leftmost placement, unchanged base first): chr1-45507464-AAGCCC-A. GRCh37 (hg19) VCF-style: chr1-45973136-AAGCCC-A.
Other names: c.20_24del, p.Lys7fs (NM_001330540.2); short protein forms K64fs, K7fs.
Identifiers: ClinVar variation 4815861 (VCV004815861.2).
Genomic context (GRCh38, chr1:45,507,464, plus strand): 5'-CCAGGACCTACCCTGGCCTTCCTGGTACTCAGCACGCCTGCCATGTTTGACCGGGCCCTC[AAGCCC>A]TTCTTGCAGAGCTGCCACCTCCGAATGCTGACTGACCCAGTGGACCAGTGTGTGGCCTAC-3'

ClinVar aggregate classification (germline): Pathogenic/Likely pathogenic. Review status: criteria provided, multiple submitters, no conflicts (2 of 4 stars). 2 submissions from 2 submitters: Pathogenic (1); Likely pathogenic (1). Last evaluated 2024-10-25.

Conditions:
Cobalamin C disease. Also called: Methylmalonic aciduria and homocystinuria, Vitamin B12-responsive; Vitamin B12 metabolic defect with combined deficiency of methylmalonyl-CoA mutase and homocysteine:methyltetrahydrofolate methyltransferase; Methylmalonic aciduria with homocystinuria cblC type; Cobalamin-C methylmalonic acidemia and homocystinuria; Methylmalonic acidemia and homocystinuria cblC type; methylmalonic aciduria and homocystinuria type cblC. Identifiers: Orphanet 26, Orphanet 79282, MedGen C1848561, MONDO:0010184, OMIM 277400.

Submissions (2):

Natera, Inc.
Classification: Likely pathogenic for Methylmalonic aciduria and homocystinuria cblC type. Last evaluated: 2024-10-25. Review status: criteria provided, single submitter. Criteria: Natera Variant Classification Schema (03/2026). Collection method: clinical testing. Allele origin: germline.
Comment: The c.191_195del variant in MMACHC is a frameshift variant predicted to shift the reading frame beginning at codon 64 and leads to a stop codon 12 codons downstream. This variant is expected to result in nonsense mediated decay, truncation, or a dysfunctional protein product. This variant is rare in the general population with a frequency below the threshold expected for the associated phenotype(s). Given the available evidence, this variant is classified as Likely Pathogenic.

Myriad Genetics, Inc.
Classification: Pathogenic for Cobalamin C disease. Last evaluated: 2023-11-21. Review status: criteria provided, single submitter. Criteria: Myriad Autosomal Dominant, Autosomal Recessive and X-Linked Classification Criteria (2023). Collection method: clinical testing. Allele origin: unknown.
Comment: NM_015506.2(MMACHC):c.191_195del5(K64Ifs*12) is expected to be pathogenic in the context of methylmalonic aciduria and homocystinuria, cblC type. This variant is predicted to lead to an abnormal or absent protein product due to the creation of a premature termination codon in MMACHC, a gene where loss-of-function variants are known to be pathogenic. Please note: this variant was assessed in the context of healthy population screening.